The following is an entry in ClinVar:

NM_183065.4(TMEM107):c.134A>G (p.Glu45Gly)

Genes: TMEM107 (transmembrane protein 107; minus strand), LOC105371520 (uncharacterized LOC105371520; plus strand). Cytogenetic location: 17p13.1.
Variant type: single nucleotide variant.
Coding change: c.134A>G on transcript NM_183065.4 (MANE Select); coding-DNA position 134, A replaced by G.
Protein change: p.Glu45Gly; replaces glutamic acid 45 with glycine.
Molecular consequence: missense variant.
Genome position (GRCh38, 1-based): chr17:8,175,980, T>C on the plus strand (A>G on the coding strand, the complement: TMEM107 is on the minus strand). VCF-style: chr17-8175980-T-C. GRCh37 (hg19) VCF-style: chr17-8079298-T-C.
Other names: c.134A>G, p.Glu45Gly (NM_001351278.2, NM_001351279.2, NM_001351280.2 and 1 more transcripts); short protein forms E45G.
Identifiers: ClinVar variation 430703 (VCV000430703.6), dbSNP rs1555526172, ClinGen allele CA397971618.

ClinVar aggregate classification (germline): Pathogenic. Review status: criteria provided, single submitter (1 of 4 stars). 3 submissions from 3 submitters: Pathogenic (1). 2 of the submissions do not count toward it. Last evaluated 2023-08-27.

Conditions:
Orofaciodigital syndrome 16. Also called: OROFACIODIGITAL SYNDROME XVI; OFDS XVI; ORAL-FACIAL-DIGITAL SYNDROME, TYPE XVI. Identifiers: MedGen C4539729, MONDO:0033045, OMIM 617563.
Leukoencephalopathy with calcifications and cysts. Also called: LABRUNE SYNDROME; Leukoencephalopathy, brain calcifications, and cysts. Identifiers: Orphanet 542310, MedGen C3281200, MONDO:0013803, OMIM 614561.

Allele frequency attached by ClinVar (database versions not stated): gnomAD exomes below 0.00001.

Submissions (3):

Labcorp Genetics (formerly Invitae), Labcorp
Classification: Pathogenic. Last evaluated: 2023-08-27. Review status: criteria provided, single submitter. Criteria: Invitae Variant Classification Sherloc (09022015). Collection method: clinical testing. Allele origin: germline.
Comment: For these reasons, this variant has been classified as Pathogenic. Algorithms developed to predict the effect of sequence changes on RNA splicing suggest that this variant may disrupt the consensus splice site. Experimental studies have shown that this missense change affects TMEM107 function (PMID: 26595381). An algorithm developed to predict the effect of missense changes on protein structure and function (PolyPhen-2) suggests that this variant is likely to be disruptive. ClinVar contains an entry for this variant (Variation ID: 430703). This missense change has been observed in individual(s) with oral–facial–digital syndrome type VI (PMID: 26595381). It has also been observed to segregate with disease in related individuals. This variant is not present in population databases (gnomAD no frequency). This sequence change replaces glutamic acid, which is acidic and polar, with glycine, which is neutral and non-polar, at codon 45 of the TMEM107 protein (p.Glu45Gly).

Solve-RD Consortium
Classification: Likely pathogenic for Leukoencephalopathy with calcifications and cysts. Last evaluated: 2022-06-01. Review status: no assertion criteria provided. Collection method: provider interpretation. Allele origin: inherited. Affected: yes. Not counted in ClinVar's aggregate classification.
Comment: Variant confirmed as disease-causing by referring clinical team

Variant identified during reanalysis of unsolved cases by the Solve-RD project. The Solve-RD project has received funding from the European Union’s Horizon 2020 research and innovation programme under grant agreement No 779257.

OMIM
Classification: Pathogenic for OROFACIODIGITAL SYNDROME XVI. Last evaluated: 2017-07-14. Review status: no assertion criteria provided. Collection method: literature only. Allele origin: germline. Not counted in ClinVar's aggregate classification.

Literature cited by the submitters: PubMed 26595381 (cited by Labcorp Genetics (formerly Invitae), Labcorp and OMIM); PubMed 39825153 (cited by Solve-RD Consortium).